The following is an entry in ClinVar:

ClinVar aggregate classification (germline): Benign (1 of 4 stars; one submission).

Allele frequency attached by ClinVar (database versions not stated): 1000 Genomes Project 30x 0.07402; 1000 Genomes Project 0.07428; TOPMed 0.11241; gnomAD 0.11760 and 0.11990.
gnomAD v4.1: 18,004 of 152,238 alleles (12%); highest among the groups gnomAD compares: Middle Eastern, 20%; 1,273 homozygotes.

Submission:

GeneDx
Classification: Benign. Last evaluated: 2018-06-16. Review status: criteria provided, single submitter. Criteria: GeneDx Variant Classification (06012015). Collection method: clinical testing. Allele origin: germline. Affected: yes.
Comment: This variant is considered likely benign or benign based on one or more of the following criteria: it is a conservative change, it occurs at a poorly conserved position in the protein, it is predicted to be benign by multiple in silico algorithms, and/or has population frequency not consistent with disease.

NM_018249.6(CDK5RAP2):c.1728-266G>A

Gene: CDK5RAP2 (CDK5 regulatory subunit associated protein 2; minus strand). Cytogenetic location: 9q33.2.
Variant type: single nucleotide variant.
Coding change: c.1728-266G>A on transcript NM_018249.6 (MANE Select); 266 bases into the intron before coding-DNA position 1728, G replaced by A.
Molecular consequence: intron variant.
Genome position (GRCh38, 1-based): chr9:120,472,144, C>T on the plus strand (G>A on the coding strand, the complement: CDK5RAP2 is on the minus strand). VCF-style: chr9-120472144-C-T. GRCh37 (hg19) VCF-style: chr9-123234422-C-T.
Other names: c.1728-266G>A (NM_001272039.2, NM_001011649.3).
Identifiers: ClinVar variation 674221 (VCV000674221.1), dbSNP rs10984922, ClinGen allele CA199285532.